The following is an entry in ClinVar:

NM_000218.3(KCNQ1):c.1394-31925A>G

Genes: KCNQ1 (potassium voltage-gated channel subfamily Q member 1; plus strand), KCNQ1OT1 (KCNQ1 opposite strand/antisense transcript 1; minus strand). Cytogenetic location: 11p15.5.
Variant type: single nucleotide variant.
Coding change: c.1394-31925A>G on transcript NM_000218.3 (MANE Select); 31925 bases into the intron before coding-DNA position 1394, A replaced by G.
Molecular consequence: intron variant. On other transcripts: non-coding transcript variant (1).
Genome position (GRCh38, 1-based): chr11:2,630,036, A>G. VCF-style: chr11-2630036-A-G. GRCh37 (hg19) VCF-style: chr11-2651266-A-G.
Other names: c.1124-31925A>G (NM_001406837.1); c.1298-31925A>G (NM_001406836.1); c.854-31925A>G (NM_001406838.1); c.1013-31925A>G (NM_181798.2).
Identifiers: ClinVar variation 4987313 (VCV004987313.1).

ClinVar aggregate classification (germline): Likely benign (1 of 4 stars; one submission).

Conditions:
KCNQ1-related disorder. Also called: KCNQ1-related disorders; KCNQ1-related condition. Identifiers: MedGen CN239322.

gnomAD v4.1: 15 of 397,868 alleles (0.0038%); highest among the groups gnomAD compares: East Asian, 0.029%; no homozygotes.

Submission:

PreventionGenetics, part of Exact Sciences
Classification: Likely benign for KCNQ1-related condition. Last evaluated: 2026-09-19. Review status: criteria provided, single submitter. Criteria: ACMG Guidelines, 2015. Collection method: clinical testing. Allele origin: germline.
Comment: This variant is classified as likely benign based on ACMG/AMP sequence variant interpretation guidelines (Richards et al. 2015 PMID: 25741868, with internal and published modifications).